The following is an entry in ClinVar:

NM_130839.5(UBE3A):c.898G>T (p.Glu300Ter)

Genes: SNHG14 (small nucleolar RNA host gene 14; plus strand), UBE3A (ubiquitin protein ligase E3A; minus strand). Cytogenetic location: 15q11.2.
Variant type: single nucleotide variant.
Coding change: c.898G>T on transcript NM_130839.5 (MANE Select); coding-DNA position 898, G replaced by T.
Protein change: p.Glu300Ter; replaces glutamic acid 300 with a stop codon.
Molecular consequence: nonsense. On other transcripts: non-coding transcript variant (1), intron variant (2).
Genome position (GRCh38, 1-based): chr15:25,371,276, C>A on the plus strand (G>T on the coding strand, the complement: UBE3A is on the minus strand). VCF-style: chr15-25371276-C-A. GRCh37 (hg19) VCF-style: chr15-25616423-C-A.
Other names: c.907G>T, p.Glu303Ter (NM_000462.5); c.898G>T, p.Glu300Ter (NM_001354505.1, NM_001354538.2, NM_001354545.2); c.838G>T, p.Glu280Ter (NM_001354506.2, NM_001354507.2, NM_001354508.2 and 17 more transcripts); c.301+4189G>T (NM_001354551.2); c.361+4189G>T (NM_001354550.2); c.721G>T, p.Glu241Ter (NM_001354546.2); short protein forms E303*, E280*, E241*, E300*.
Identifiers: ClinVar variation 2860893 (VCV002860893.3), dbSNP rs2552191684, ClinGen allele CA391354823.

ClinVar aggregate classification (germline): Pathogenic (1 of 4 stars; one submission).

Conditions:
Angelman syndrome (AS). Also called: HAPPY PUPPET SYNDROME. Identifiers: Orphanet 72, MedGen C0162635, MONDO:0007113, OMIM 105830. Disease mechanism: loss of function. Inheritance: AS is caused by disruption of maternally imprinted UBE3A located within the 15q11.2-q13 Angelman syndrome/Prader-Willi syndrome (AS/PWS) region., imprinting disorder.

Submission:

Labcorp Genetics (formerly Invitae), Labcorp
Classification: Pathogenic for Angelman syndrome. Last evaluated: 2023-04-30. Review status: criteria provided, single submitter. Criteria: Invitae Variant Classification Sherloc (09022015). Collection method: clinical testing. Allele origin: germline.
Comment: This sequence change creates a premature translational stop signal (p.Glu280*) in the UBE3A gene. It is expected to result in an absent or disrupted protein product. Loss-of-function variants in UBE3A are known to be pathogenic (PMID: 25212744). This variant is not present in population databases (gnomAD no frequency). This variant has not been reported in the literature in individuals affected with UBE3A-related conditions. For these reasons, this variant has been classified as Pathogenic.

Literature cited by the submitters: PubMed 25212744.